The following is an entry in ClinVar:

ClinVar aggregate classification (germline): Uncertain significance (1 of 4 stars; one submission).

gnomAD v4.1: 37 of 1,606,460 alleles (0.0023%); highest among the groups gnomAD compares: Non-Finnish European, 0.0032%; no homozygotes.

Submission:

GeneDx
Classification: Uncertain significance. Last evaluated: 2024-03-04. Review status: criteria provided, single submitter. Criteria: GeneDx Variant Classification Process June 2021. Collection method: clinical testing. Allele origin: germline. Affected: yes.
Comment: Not observed at significant frequency in large population cohorts (gnomAD); Nonsense variant predicted to result in protein truncation as the last 29 amino acids are lost, although loss-of-function variants have not been reported downstream of this position in the protein; Has not been previously published as pathogenic or benign to our knowledge

NM_144687.4(NLRP12):c.3099G>A (p.Trp1033Ter)

Gene: NLRP12 (NLR family pyrin domain containing 12; minus strand). Cytogenetic location: 19q13.42.
Variant type: single nucleotide variant.
Coding change: c.3099G>A on transcript NM_144687.4 (MANE Select); coding-DNA position 3099, G replaced by A.
Protein change: p.Trp1033Ter; replaces tryptophan 1033 with a stop codon.
Molecular consequence: nonsense.
Genome position (GRCh38, 1-based): chr19:53,794,136, C>T on the plus strand (G>A on the coding strand, the complement: NLRP12 is on the minus strand). VCF-style: chr19-53794136-C-T. GRCh37 (hg19) VCF-style: chr19-54297390-C-T.
Other names: c.3102G>A, p.Trp1034Ter (NM_001277126.2); c.2928G>A, p.Trp976Ter (NM_001277129.1); short protein forms W1033*, W1034*, W976*.
Identifiers: ClinVar variation 3373637 (VCV003373637.1).